The following is an entry in ClinVar:

ClinVar aggregate classification (germline): Uncertain significance. Review status: criteria provided, multiple submitters, no conflicts (2 of 4 stars). 2 submissions from 2 submitters: Uncertain significance (2). Last evaluated 2025-03-07.

Conditions:
Epidermolysis bullosa simplex 3, localized or generalized intermediate, with BP230 deficiency (EBS3). Also called: Epidermolysis bullosa simplex due to BP230 deficiency; Epidermolysis bullosa simplex, autosomal recessive 2. Identifiers: Orphanet 412181, MedGen C3809470, MONDO:0014180, OMIM 615425.
Hereditary sensory and autonomic neuropathy type 6. Also called: Neuropathy, hereditary sensory and autonomic, type VI; HSAN VI. Identifiers: Orphanet 314381, MedGen C3539003, MONDO:0013839, OMIM 614653.

gnomAD v4.1: 9 of 1,613,902 alleles (0.00056%); highest among the groups gnomAD compares: Admixed American, 0.015%; no homozygotes.

Submissions (2):

Mayo Clinic Laboratories, Mayo Clinic
Classification: Uncertain significance. Last evaluated: 2025-03-07. Review status: criteria provided, single submitter. Criteria: ACMG Guidelines, 2015. Collection method: clinical testing. Allele origin: germline. Observed: 1 variant allele.
Comment: BP4

Labcorp Genetics (formerly Invitae), Labcorp
Classification: Uncertain significance for Epidermolysis bullosa simplex 3, localized or generalized intermediate, with BP230 deficiency; Hereditary sensory and autonomic neuropathy type 6. Last evaluated: 2024-11-30. Review status: criteria provided, single submitter. Criteria: Invitae Variant Classification Sherloc (09022015). Collection method: clinical testing. Allele origin: germline.
Comment: The DST gene has multiple clinically relevant transcripts. This variant occurs in alternate transcript NM_015548.4, and corresponds to NM_001723.5:c.*54052A>T in the primary transcript. This sequence change replaces glutamic acid, which is acidic and polar, with valine, which is neutral and non-polar, at codon 2095 of the DST protein (p.Glu2095Val). This variant is present in population databases (rs766047885, gnomAD 0.02%). This variant has not been reported in the literature in individuals affected with DST-related conditions. Experimental studies and prediction algorithms are not available or were not evaluated, and the functional significance of this variant is currently unknown. In summary, the available evidence is currently insufficient to determine the role of this variant in disease. Therefore, it has been classified as a Variant of Uncertain Significance.

NM_001374736.1(DST):c.14153A>T (p.Glu4718Val)

Genes: DST (dystonin; minus strand), LOC129389544 (MPRA-validated peak5860 silencer; plus strand). Cytogenetic location: 6p12.1.
Variant type: single nucleotide variant.
Coding change: c.14153A>T on transcript NM_001374736.1 (MANE Select); coding-DNA position 14153, A replaced by T.
Protein change: p.Glu4718Val; replaces glutamic acid 4718 with valine.
Molecular consequence: missense variant.
Genome position (GRCh38, 1-based): chr6:56,561,465, T>A on the plus strand (A>T on the coding strand, the complement: DST is on the minus strand). VCF-style: chr6-56561465-T-A. GRCh37 (hg19) VCF-style: chr6-56426263-T-A.
Other names: p.Glu2095Val; c.7796A>T, p.Glu2599Val (NM_001144769.5); c.7382A>T, p.Glu2461Val (NM_001144770.2); c.14153A>T, p.Glu4718Val (NM_001374722.1); c.13520A>T, p.Glu4507Val (NM_001374729.1); c.7262A>T, p.Glu2421Val (NM_001374730.1, NM_001386100.1, NM_183380.4); c.14180A>T, p.Glu4727Val (NM_001374734.1); c.6284A>T, p.Glu2095Val (NM_015548.5); short protein forms E2095V, E2421V, E2461V, E2599V, E4507V, E4718V, E4727V.
Identifiers: ClinVar variation 3760886 (VCV003760886.3).